The following is an entry in ClinVar:

NM_018429.3(BDP1):c.1064C>T (p.Ala355Val)

Gene: BDP1 (BDP1 general transcription factor IIIB subunit; plus strand). Cytogenetic location: 5q13.2.
Variant type: single nucleotide variant.
Coding change: c.1064C>T on transcript NM_018429.3 (MANE Select); coding-DNA position 1064, C replaced by T.
Protein change: p.Ala355Val; replaces alanine 355 with valine.
Molecular consequence: missense variant.
Genome position (GRCh38, 1-based): chr5:71,483,891, C>T. VCF-style: chr5-71483891-C-T. GRCh37 (hg19) VCF-style: chr5-70779718-C-T.
Other names: short protein forms A355V.
Identifiers: ClinVar variation 4982977 (VCV004982977.1).

ClinVar aggregate classification (germline): Uncertain significance (1 of 4 stars; one submission).

Conditions:
BDP1-related disorder. Also called: BDP1-related condition.

Submission:

PreventionGenetics, part of Exact Sciences
Classification: Uncertain significance for BDP1-related condition. Last evaluated: 2025-06-18. Review status: criteria provided, single submitter. Criteria: ACMG Guidelines, 2015. Collection method: clinical testing. Allele origin: germline.
Comment: The BDP1 c.1064C>T variant is predicted to result in the amino acid substitution p.Ala355Val. To our knowledge, this variant has not been reported in the literature or in a large population database (gnomAD), indicating this variant is rare. At this time, the clinical significance of this variant is uncertain due to the absence of conclusive functional and genetic evidence.